The following is an entry in ClinVar:

NM_002878.4(RAD51D):c.376C>G (p.His126Asp)

Genes: RAD51D (RAD51 paralog D; minus strand), RAD51L3-RFFL (RAD51L3-RFFL readthrough; minus strand). Cytogenetic location: 17q12.
Variant type: single nucleotide variant.
Coding change: c.376C>G on transcript NM_002878.4 (MANE Select); coding-DNA position 376, C replaced by G.
Protein change: p.His126Asp; replaces histidine 126 with aspartic acid.
Molecular consequence: missense variant. On other transcripts: non-coding transcript variant (1), intron variant (1).
Genome position (GRCh38, 1-based): chr17:35,107,092, G>C on the plus strand (C>G on the coding strand, the complement: RAD51D is on the minus strand). VCF-style: chr17-35107092-G-C. GRCh37 (hg19) VCF-style: chr17-33434111-G-C.
Other names: c.436C>G, p.His146Asp (NM_001142571.2); c.145-611C>G (NM_133629.3); short protein forms H126D, H146D.
Identifiers: ClinVar variation 2163322 (VCV002163322.4), dbSNP rs2142433613, ClinGen allele CA399089348.

ClinVar aggregate classification (germline): Uncertain significance (1 of 4 stars; one submission).

Conditions:
Breast-ovarian cancer, familial, susceptibility to, 4. Identifiers: Orphanet 145, MedGen C3280345, MONDO:0013669, OMIM 614291.

Submission:

Labcorp Genetics (formerly Invitae), Labcorp
Classification: Uncertain significance for Breast-ovarian cancer, familial, susceptibility to, 4. Last evaluated: 2022-01-03. Review status: criteria provided, single submitter. Criteria: Invitae Variant Classification Sherloc (09022015). Collection method: clinical testing. Allele origin: germline.
Comment: This sequence change replaces histidine, which is basic and polar, with aspartic acid, which is acidic and polar, at codon 126 of the RAD51D protein (p.His126Asp). In summary, the available evidence is currently insufficient to determine the role of this variant in disease. Therefore, it has been classified as a Variant of Uncertain Significance. Algorithms developed to predict the effect of missense changes on protein structure and function are either unavailable or do not agree on the potential impact of this missense change (SIFT: "Tolerated"; PolyPhen-2: "Possibly Damaging"; Align-GVGD: "Class C0"). This variant has not been reported in the literature in individuals affected with RAD51D-related conditions. This variant is not present in population databases (gnomAD no frequency).